The following is an entry in ClinVar:

NM_001366145.2(TRPM3):c.3810C>A (p.Asp1270Glu)

Genes: KLF9-DT (KLF9 divergent transcript; plus strand), TRPM3 (transient receptor potential cation channel subfamily M member 3; minus strand). Cytogenetic location: 9q21.12.
Variant type: single nucleotide variant.
Coding change: c.3810C>A on transcript NM_001366145.2 (MANE Select); coding-DNA position 3810, C replaced by A.
Protein change: p.Asp1270Glu; replaces aspartic acid 1270 with glutamic acid.
Molecular consequence: missense variant.
Genome position (GRCh38, 1-based): chr9:70,537,303, G>T on the plus strand (C>A on the coding strand, the complement: TRPM3 is on the minus strand). VCF-style: chr9-70537303-G-T. GRCh37 (hg19) VCF-style: chr9-73152219-G-T.
Other names: c.3774C>A, p.Asp1258Glu (NM_001007471.4, NM_001366151.2); c.3780C>A, p.Asp1260Glu (NM_001366141.2, NM_001366143.2, NM_001366149.2); c.3816C>A, p.Asp1272Glu (NM_001366142.2); c.3810C>A, p.Asp1270Glu (NM_001366146.2); c.3885C>A, p.Asp1295Glu (NM_001366147.2, NM_001366152.2); c.3855C>A, p.Asp1285Glu (NM_001366148.2); c.3744C>A, p.Asp1248Glu (NM_001366150.2); c.3351C>A, p.Asp1117Glu (NM_001366154.2, NM_024971.7); and 5 more; short protein forms D1095E, D1105E, D1107E, D1117E, D1120E, D1130E, D1248E, D1258E.
Identifiers: ClinVar variation 3042561 (VCV003042561.2), dbSNP rs578035531, ClinGen allele CA5077952.

ClinVar aggregate classification (germline): Likely benign (0 of 4 stars; one submission).

Conditions:
TRPM3-related disorder. Also called: TRPM3-related condition.

Allele frequency attached by ClinVar (database versions not stated): TOPMed 0.00007; ExAC 0.00072; 1000 Genomes Project 30x 0.00203; 1000 Genomes Project 0.00220.
gnomAD v4.1: 558 of 1,540,084 alleles (0.036%); highest among the groups gnomAD compares: South Asian, 0.65%; 6 homozygotes.

Submission:

PreventionGenetics, part of Exact Sciences
Classification: Likely benign for TRPM3-related condition. Last evaluated: 2019-06-27. Review status: no assertion criteria provided. Collection method: clinical testing. Allele origin: germline.
Comment: This variant is classified as likely benign based on ACMG/AMP sequence variant interpretation guidelines (Richards et al. 2015 PMID: 25741868, with internal and published modifications).